The following is an entry in ClinVar:

ClinVar aggregate classification (germline): Uncertain significance (1 of 4 stars; one submission).

Conditions:
Charcot-Marie-Tooth disease axonal type 2V. Also called: CHARCOT-MARIE-TOOTH NEUROPATHY, TYPE 2V; CHARCOT-MARIE-TOOTH DISEASE, AXONAL, AUTOSOMAL DOMINANT, TYPE 2V. Identifiers: Orphanet 447964, MedGen C5569050, MONDO:0014665, OMIM 616491.
Mucopolysaccharidosis, MPS-III-B (MPS3B). Also called: N-ACETYL-ALPHA-D-GLUCOSAMINIDASE DEFICIENCY; NAGLU DEFICIENCY; SANFILIPPO SYNDROME B; MPS III B; MUCOPOLYSACCHARIDOSIS, TYPE IIIB; MPS IIIB (Sanfilippo Syndrome Type B). Identifiers: Orphanet 79270, MedGen C0086648, MONDO:0009656, OMIM 252920.

Allele frequency attached by ClinVar (database versions not stated): gnomAD exomes below 0.00001.

Submission:

Labcorp Genetics (formerly Invitae), Labcorp
Classification: Uncertain significance for Charcot-Marie-Tooth disease axonal type 2V; Mucopolysaccharidosis, MPS-III-B. Last evaluated: 2024-10-08. Review status: criteria provided, single submitter. Criteria: Invitae Variant Classification Sherloc (09022015). Collection method: clinical testing. Allele origin: germline.
Comment: This sequence change replaces alanine, which is neutral and non-polar, with valine, which is neutral and non-polar, at codon 9 of the NAGLU protein (p.Ala9Val). This variant is not present in population databases (gnomAD no frequency). This variant has not been reported in the literature in individuals affected with NAGLU-related conditions. ClinVar contains an entry for this variant (Variation ID: 2160746). Invitae Evidence Modeling of protein sequence and biophysical properties (such as structural, functional, and spatial information, amino acid conservation, physicochemical variation, residue mobility, and thermodynamic stability) indicates that this missense variant is not expected to disrupt NAGLU protein function with a negative predictive value of 95%. In summary, the available evidence is currently insufficient to determine the role of this variant in disease. Therefore, it has been classified as a Variant of Uncertain Significance.

NM_000263.4(NAGLU):c.26C>T (p.Ala9Val)

Genes: NAGLU (N-acetyl-alpha-glucosaminidase; plus strand), LOC130060903 (ATAC-STARR-seq lymphoblastoid silent region 8533; plus strand). Cytogenetic location: 17q21.2.
Variant type: single nucleotide variant.
Coding change: c.26C>T on transcript NM_000263.4 (MANE Select); coding-DNA position 26, C replaced by T.
Protein change: p.Ala9Val; replaces alanine 9 with valine.
Molecular consequence: missense variant.
Genome position (GRCh38, 1-based): chr17:42,536,298, C>T. VCF-style: chr17-42536298-C-T. GRCh37 (hg19) VCF-style: chr17-40688316-C-T.
Other names: short protein forms A9V.
Identifiers: ClinVar variation 2160746 (VCV002160746.2), dbSNP rs1176961335, ClinGen allele CA399594945.